The following is an entry in ClinVar:

ClinVar aggregate classification (germline): Uncertain significance (1 of 4 stars; one submission).

Conditions:
Deafness-lymphedema-leukemia syndrome. Also called: Lymphedema, primary, with myelodysplasia; Emberger syndrome. Identifiers: Orphanet 3226, MedGen C3279664, MONDO:0013540, OMIM 614038.
Monocytopenia with susceptibility to infections. Also called: IMMUNODEFICIENCY 21; GATA2 DEFICIENCY; MONOCYTOPENIA AND MYCOBACTERIAL INFECTION SYNDROME; MONOCYTOPENIA WITH SUSCEPTIBILITY TO MYCOBACTERIAL, FUNGAL, AND PAPILLOMAVIRUS INFECTIONS AND MYELODYSPLASIA; COMBINED IMMUNODEFICIENCY WITH SUSCEPTIBILITY TO MYCOBACTERIAL, VIRAL, AND FUNGAL INFECTIONS; Dendritic cell, monocyte, B lymphocyte, and natural killer lymphocyte deficiency. Identifiers: Orphanet 228423, MedGen C3280030, MONDO:0013607, OMIM 614172.

Submission:

Labcorp Genetics (formerly Invitae), Labcorp
Classification: Uncertain significance for Monocytopenia with susceptibility to infections; Deafness-lymphedema-leukemia syndrome. Last evaluated: 2022-02-07. Review status: criteria provided, single submitter. Criteria: Invitae Variant Classification Sherloc (09022015). Collection method: clinical testing. Allele origin: germline.
Comment: Advanced modeling of protein sequence and biophysical properties (such as structural, functional, and spatial information, amino acid conservation, physicochemical variation, residue mobility, and thermodynamic stability) performed at Invitae indicates that this missense variant is expected to disrupt GATA2 protein function. In summary, the available evidence is currently insufficient to determine the role of this variant in disease. Therefore, it has been classified as a Variant of Uncertain Significance. This variant has not been reported in the literature in individuals affected with GATA2-related conditions. This variant is not present in population databases (gnomAD no frequency). This sequence change replaces lysine, which is basic and polar, with methionine, which is neutral and non-polar, at codon 336 of the GATA2 protein (p.Lys336Met).

NM_032638.5(GATA2):c.1007A>T (p.Lys336Met)

Gene: GATA2 (GATA binding protein 2; minus strand). Cytogenetic location: 3q21.3.
Variant type: single nucleotide variant.
Coding change: c.1007A>T on transcript NM_032638.5 (MANE Select); coding-DNA position 1007, A replaced by T.
Protein change: p.Lys336Met; replaces lysine 336 with methionine.
Molecular consequence: missense variant.
Genome position (GRCh38, 1-based): chr3:128,483,870, T>A on the plus strand (A>T on the coding strand, the complement: GATA2 is on the minus strand). VCF-style: chr3-128483870-T-A. GRCh37 (hg19) VCF-style: chr3-128202713-T-A.
Other names: c.1007A>T, p.Lys336Met (NM_001145661.2, NM_001145662.1); short protein forms K336M.
Identifiers: ClinVar variation 2094385 (VCV002094385.4), dbSNP rs2472924543, ClinGen allele CA354404250.